The following is an entry in ClinVar:

NM_181882.3(PRX):c.3371C>G (p.Ser1124Ter)

Gene: PRX (periaxin; minus strand). Cytogenetic location: 19q13.2.
Variant type: single nucleotide variant.
Coding change: c.3371C>G on transcript NM_181882.3 (MANE Select); coding-DNA position 3371, C replaced by G.
Protein change: p.Ser1124Ter; replaces serine 1124 with a stop codon.
Molecular consequence: nonsense. On other transcripts: 3 prime UTR variant (1).
Genome position (GRCh38, 1-based): chr19:40,394,981, G>C on the plus strand (C>G on the coding strand, the complement: PRX is on the minus strand). VCF-style: chr19-40394981-G-C. GRCh37 (hg19) VCF-style: chr19-40900888-G-C.
Other names: c.3656C>G, p.Ser1219Ter (NM_001411127.1); c.*3576C>G (NM_020956.2); short protein forms S1124*, S1219*.
Identifiers: ClinVar variation 2823989 (VCV002823989.3), dbSNP rs2514800211, ClinGen allele CA405894032.
Genomic context (GRCh38, chr19:40,394,981, plus strand): 5'-CTCAGCCCCGCGTCATGGCCCTCAGTGACCACCTGCCCGGCTGTGGACACCTTCAGGCCT[G>C]ACAGCTGCATTCCACTGACGGCCACAGCCCCCTCTGCCCTCCCTTCCTCCTGGGCGCCCA-3'

ClinVar aggregate classification (germline): Pathogenic (1 of 4 stars; one submission).

Conditions:
Charcot-Marie-Tooth disease type 4. Also called: Charcot-Marie-Tooth disease, type IV; Charcot-Marie-Tooth, Type 4. Identifiers: Orphanet 64749, MedGen C4082197, MONDO:0018995.

Allele frequency attached by ClinVar (database versions not stated): gnomAD exomes 0.00001.

Submission:

Labcorp Genetics (formerly Invitae), Labcorp
Classification: Pathogenic for Charcot-Marie-Tooth disease type 4. Last evaluated: 2022-12-25. Review status: criteria provided, single submitter. Criteria: Invitae Variant Classification Sherloc (09022015). Collection method: clinical testing. Allele origin: germline.
Comment: This variant has not been reported in the literature in individuals affected with PRX-related conditions. This variant is not present in population databases (gnomAD no frequency). This sequence change creates a premature translational stop signal (p.Ser1124*) in the PRX gene. While this is not anticipated to result in nonsense mediated decay, it is expected to disrupt the last 338 amino acid(s) of the PRX protein. For these reasons, this variant has been classified as Pathogenic. This variant disrupts a region of the PRX protein in which other variant(s) (p.Gln1169*) have been determined to be pathogenic (Invitae). This suggests that this is a clinically significant region of the protein, and that variants that disrupt it are likely to be disease-causing.